The following is an entry in ClinVar:

ClinVar aggregate classification (germline): Likely pathogenic (1 of 4 stars; one submission).

Conditions:
Nephrogenic diabetes insipidus. Identifiers: Orphanet 223, MedGen C0162283, MONDO:0016383, HP:0009806.

Submission:

Natera, Inc.
Classification: Likely pathogenic for Nephrogenic diabetes insipidus. Last evaluated: 2025-10-12. Review status: criteria provided, single submitter. Criteria: Natera Variant Classification Schema (03/2026). Collection method: clinical testing. Allele origin: germline.
Comment: The c.218_256delinsC variant in AQP2 is a frameshift variant predicted to shift the reading frame beginning at codon 73 and leads to a stop codon 21 codons downstream. This variant is expected to result in nonsense mediated decay, truncation, or a dysfunctional protein product. This variant is rare in the general population with a frequency below the threshold expected for the associated phenotype(s). Given the available evidence, this variant is classified as Likely Pathogenic.

NM_000486.6(AQP2):c.218_256delinsC (p.Val73fs)

Gene: AQP2 (aquaporin 2; plus strand). Cytogenetic location: 12q13.12.
Variant type: Indel.
Coding change: c.218_256delinsC on transcript NM_000486.6 (MANE Select); coding-DNA positions 218 to 256, the reference bases replaced by C.
Protein change: p.Val73fs; shifts the reading frame from valine 73.
Molecular consequence: frameshift variant.
Genome position (GRCh38, 1-based): chr12:49,951,048-49,951,086, 39 bases replaced. GRCh37 (hg19): chr12:50,344,831-50,344,869.
Other names: c.218_256del39insC, p.Val73Alafs (NM_000486.5); short protein forms V73fs.
Identifiers: ClinVar variation 4818428 (VCV004818428.1).
Genomic context (GRCh38, chr12:49,951,048, plus strand): 5'-GCACCCTGGTACAGGCTCTGGGCCACATAAGCGGGGCCCACATCAACCCTGCCGTGACTG[TGGCCTGCCTGGTGGGCTGCCACGTCTCCGTTCTCCGAG>C]CCGCCTTCTACGTGGCTGCCCAGCTGCTGGGGGCTGTGGCCGGAGCCGCTCTGCTCCATG-3'